The following is an entry in ClinVar:

NM_015474.4(SAMHD1):c.997C>T (p.Arg333Cys)

Gene: SAMHD1 (SAM and HD domain containing deoxynucleoside triphosphate triphosphohydrolase 1; minus strand). Cytogenetic location: 20q11.23.
Variant type: single nucleotide variant.
Coding change: c.997C>T on transcript NM_015474.4 (MANE Select); coding-DNA position 997, C replaced by T.
Protein change: p.Arg333Cys; replaces arginine 333 with cysteine.
Molecular consequence: missense variant.
Genome position (GRCh38, 1-based): chr20:36,916,787, G>A on the plus strand (C>T on the coding strand, the complement: SAMHD1 is on the minus strand). VCF-style: chr20-36916787-G-A. GRCh37 (hg19) VCF-style: chr20-35545190-G-A.
Other names: c.997C>T, p.Arg333Cys (NM_001363729.2, NM_001363733.2); short protein forms R333C.
Identifiers: ClinVar variation 1029401 (VCV001029401.5), dbSNP rs770005027, ClinGen allele CA9844611.
Genomic context (GRCh38, chr20:36,916,787, plus strand): 5'-CTCTAGCACAAATACGCAACTCATTGTCTACTTCACAGACACGGGCAAACTTAATAAAGC[G>A]CTTGTAATCAAAATTATTTTGGATTCCAAGATGATGGCAGTCCCTAGAAGGATTCCAAAA-3'
Protein context (NP_056289.2, residues 323-343): LGIQNNFDYK[Arg333Cys]FIKFARVCEV

ClinVar aggregate classification (germline): Uncertain significance. Review status: criteria provided, multiple submitters, no conflicts (2 of 4 stars). 3 submissions from 3 submitters: Uncertain significance (3). Last evaluated 2022-09-30.

Conditions:
Aicardi-Goutieres syndrome 5. Identifiers: Orphanet 51, MedGen C2749659, MONDO:0013059, OMIM 612952.

Allele frequency attached by ClinVar (database versions not stated): gnomAD below 0.00001 and 0.00001; gnomAD exomes 0.00002; TOPMed 0.00002; ExAC 0.00003.
gnomAD v4.1: 34 of 1,613,866 alleles (0.0021%); highest among the groups gnomAD compares: Admixed American, 0.01%; no homozygotes.

Submissions (3):

Labcorp Genetics (formerly Invitae), Labcorp
Classification: Uncertain significance for Aicardi-Goutieres syndrome 5. Last evaluated: 2022-09-30. Review status: criteria provided, single submitter. Criteria: Invitae Variant Classification Sherloc (09022015). Collection method: clinical testing. Allele origin: germline.
Comment: This sequence change replaces arginine, which is basic and polar, with cysteine, which is neutral and slightly polar, at codon 333 of the SAMHD1 protein (p.Arg333Cys). This variant is present in population databases (rs770005027, gnomAD 0.01%). This variant has not been reported in the literature in individuals affected with SAMHD1-related conditions. ClinVar contains an entry for this variant (Variation ID: 1029401). Advanced modeling of protein sequence and biophysical properties (such as structural, functional, and spatial information, amino acid conservation, physicochemical variation, residue mobility, and thermodynamic stability) performed at Invitae indicates that this missense variant is expected to disrupt SAMHD1 protein function. In summary, the available evidence is currently insufficient to determine the role of this variant in disease. Therefore, it has been classified as a Variant of Uncertain Significance.

Blueprint Genetics
Classification: Uncertain significance. Last evaluated: 2021-05-24. Review status: criteria provided, single submitter. Criteria: ACMG Guidelines, 2015. Collection method: clinical testing. Allele origin: germline.

Baylor Genetics
Classification: Uncertain significance for Aicardi-Goutieres syndrome 5. Last evaluated: 2020-11-03. Review status: criteria provided, single submitter. Criteria: ACMG Guidelines, 2015. Collection method: clinical testing. Allele origin: unknown. Affected: yes.
Comment: This variant was determined to be of uncertain significance according to ACMG Guidelines, 2015 [PMID:25741868].